The following is an entry in ClinVar:

ClinVar aggregate classification (germline): Pathogenic (1 of 4 stars; one submission).

Conditions:
Failure to thrive in infancy. Identifiers: MedGen C1867873, HP:0001531.
Feeding difficulties. Also called: Poor feeding. Identifiers: MedGen C0232466, HP:0011968.
Postnatal growth retardation. Identifiers: MedGen C1859778, HP:0008897.
Severe intrauterine growth retardation. Identifiers: MedGen C1855843, HP:0008846.

Submission:

Genetics Section, Pontificia Universidad Catolica De Chile
Classification: Pathogenic for Severe intrauterine growth retardation; Feeding difficulties; Postnatal growth retardation; Failure to thrive in infancy. Last evaluated: 2023-05-25. Review status: criteria provided, single submitter. Criteria: ACMG/ClinGen CNV Guidelines, 2019. Collection method: clinical testing. Allele origin: maternal. Inheritance: Sporadic. Affected: yes. Observed: 1 heterozygote.

GRCh37/hg19 11q25(chr11:131952484-134938470)x1

Genes: SPATA19 (spermatogenesis associated 19; minus strand), ACAD8 (acyl-CoA dehydrogenase family member 8; plus strand), B3GAT1 (beta-1,3-glucuronyltransferase 1; minus strand), GLB1L2 (galactosidase beta 1 like 2; plus strand), GLB1L3 (galactosidase beta 1 like 3; plus strand) and 9 more. Cytogenetic location: 11q25.
Variant type: copy number loss.
Change: copy number 1 (one copy instead of two) of chr11:131,952,484-134,938,470 (2.99 Mb, GRCh37 coordinates, 1-based), cytogenetic band 11q25.
Identifiers: ClinVar variation 2505490 (VCV002505490.2).